The following is an entry in ClinVar:

NM_005159.5(ACTC1):c.1093G>A (p.Asp365Asn)

Genes: ACTC1 (actin alpha cardiac muscle 1; minus strand), GJD2-DT (GJD2 divergent transcript; plus strand). Cytogenetic location: 15q14.
Variant type: single nucleotide variant.
Coding change: c.1093G>A on transcript NM_005159.5 (MANE Select); coding-DNA position 1093, G replaced by A.
Protein change: p.Asp365Asn; replaces aspartic acid 365 with asparagine.
Molecular consequence: missense variant.
Genome position (GRCh38, 1-based): chr15:34,790,453, C>T on the plus strand (G>A on the coding strand, the complement: ACTC1 is on the minus strand). VCF-style: chr15-34790453-C-T. GRCh37 (hg19) VCF-style: chr15-35082654-C-T.
Other names: short protein forms D365N.
Identifiers: ClinVar variation 1171524 (VCV001171524.12), dbSNP rs2140428952, ClinGen allele CA391628701.
Genomic context (GRCh38, chr15:34,790,453, plus strand): 5'-GATGGAGAGAGAAGGCATCTTAGAAGCATTTGCGGTGGACAATGGATGGGCCTGCCTCAT[C>T]GTACTCTTGCTTGCTAATCCACATTTGCTGGAAGGTGGACAGAGAGGCCAGGATGGAGCC-3'
Protein context (NP_005150.1, residues 355-375): QQMWISKQEY[Asp365Asn]EAGPSIVHRK

ClinVar aggregate classification (germline): Uncertain significance. Review status: criteria provided, multiple submitters, no conflicts (2 of 4 stars). 5 submissions from 5 submitters: Uncertain significance (5). Last evaluated 2025-03-27.

Conditions:
Cardiovascular phenotype. Identifiers: MedGen CN230736.
Cardiomyopathy (CMYO). Also called: Cardiomyopathies. Identifiers: Orphanet 167848, MedGen C0878544, MONDO:0004994, HP:0001638. Inheritance: Various modes of inheritance.
Hypertrophic cardiomyopathy. Also called: HYPERTROPHIC MYOCARDIOPATHY. Identifiers: Orphanet 217569, MedGen C0007194, MeSH D002312, MONDO:0005045, HP:0001639.
Hypertrophic cardiomyopathy 11. Also called: ACTC1-Related Familial Hypertrophic Cardiomyopathy. Identifiers: MedGen C2677506, MONDO:0012799, OMIM 612098.
Dilated cardiomyopathy 1R (CMD1R). Identifiers: Orphanet 154, Orphanet 54260, MedGen C3150681, MONDO:0013261, OMIM 613424.
Atrial septal defect 5 (ASD5). Identifiers: Orphanet 1478, MedGen C2748552, MONDO:0013011, OMIM 612794.

Allele frequency attached by ClinVar (database versions not stated): gnomAD exomes below 0.00001.
gnomAD v4.1: 5 of 1,614,134 alleles (0.00031%); highest among the groups gnomAD compares: Non-Finnish European, 0.00042%; no homozygotes.

Submissions (5):

Labcorp Genetics (formerly Invitae), Labcorp
Classification: Uncertain significance for Dilated cardiomyopathy 1R; Hypertrophic cardiomyopathy 11; Atrial septal defect 5. Last evaluated: 2025-03-27. Review status: criteria provided, single submitter. Criteria: Invitae Variant Classification Sherloc (09022015). Collection method: clinical testing. Allele origin: germline.
Comment: This sequence change replaces aspartic acid, which is acidic and polar, with asparagine, which is neutral and polar, at codon 365 of the ACTC1 protein (p.Asp365Asn). This variant is not present in population databases (gnomAD no frequency). This variant has not been reported in the literature in individuals affected with ACTC1-related conditions. ClinVar contains an entry for this variant (Variation ID: 1171524). Invitae Evidence Modeling of protein sequence and biophysical properties (such as structural, functional, and spatial information, amino acid conservation, physicochemical variation, residue mobility, and thermodynamic stability) indicates that this missense variant is not expected to disrupt ACTC1 protein function with a negative predictive value of 80%. In summary, the available evidence is currently insufficient to determine the role of this variant in disease. Therefore, it has been classified as a Variant of Uncertain Significance.

All of Us Research Program, National Institutes of Health
Classification: Uncertain significance for Hypertrophic cardiomyopathy. Last evaluated: 2023-12-13. Review status: criteria provided, single submitter. Criteria: ACMG Guidelines, 2015. Collection method: clinical testing. Allele origin: germline. Inheritance: Autosomal dominant inheritance. Observed: 4 variant alleles, 4 heterozygotes.
Comment: This missense variant replaces aspartic acid with asparagine at codon 365 of the ACTC1 protein. Computational prediction is inconclusive regarding the impact of this variant on protein structure and function (internally defined REVEL score threshold 0.5 < inconclusive < 0.7, PMID: 27666373). To our knowledge, functional studies have not been reported for this variant. This variant has not been reported in individuals affected with cardiovascular disorders in the literature. This variant has not been identified in the general population by the Genome Aggregation Database (gnomAD). The available evidence is insufficient to determine the role of this variant in disease conclusively. Therefore, this variant is classified as a Variant of Uncertain Significance.

This study involves interpretation of variants in research participants for the purpose of population health screening. Participant phenotype was not available at the time of variant classification. Additional details can be found in publication PMID: 35346344, PMCID: PMC8962531

GeneDx
Classification: Uncertain significance. Last evaluated: 2023-07-15. Review status: criteria provided, single submitter. Criteria: GeneDx Variant Classification Process June 2021. Collection method: clinical testing. Allele origin: germline. Affected: yes.
Comment: Has not been previously published as pathogenic or benign to our knowledge; Not observed at significant frequency in large population cohorts (gnomAD); In silico analysis supports that this missense variant does not alter protein structure/function

Color Diagnostics, LLC DBA Color Health
Classification: Uncertain significance for Cardiomyopathy. Last evaluated: 2023-04-25. Review status: criteria provided, single submitter. Criteria: ACMG Guidelines, 2015. Collection method: clinical testing. Allele origin: germline.
Comment: This missense variant replaces aspartic acid with asparagine at codon 365 of the ACTC1 protein. Computational prediction is inconclusive regarding the impact of this variant on protein structure and function (internally defined REVEL score threshold 0.5 < inconclusive < 0.7, PMID: 27666373). To our knowledge, functional studies have not been reported for this variant. This variant has not been reported in individuals affected with ACTC1-related disorders in the literature. This variant has not been identified in the general population by the Genome Aggregation Database (gnomAD). The available evidence is insufficient to determine the role of this variant in disease conclusively. Therefore, this variant is classified as a Variant of Uncertain Significance.

Ambry Genetics
Classification: Uncertain significance for Cardiovascular phenotype. Last evaluated: 2023-03-29. Review status: criteria provided, single submitter. Criteria: Ambry Variant Classification Scheme 2023. Collection method: clinical testing. Allele origin: germline.
Comment: The p.D365N variant (also known as c.1093G>A), located in coding exon 6 of the ACTC1 gene, results from a G to A substitution at nucleotide position 1093. The aspartic acid at codon 365 is replaced by asparagine, an amino acid with highly similar properties. This amino acid position is highly conserved in available vertebrate species. In addition, this alteration is predicted to be tolerated by in silico analysis. Since supporting evidence is limited at this time, the clinical significance of this alteration remains unclear.